The following is an entry in ClinVar:

ClinVar aggregate classification (germline): Pathogenic (1 of 4 stars; one submission).

Conditions:
Neurofibromatosis, type 2 (SWNV). Also called: BILATERAL ACOUSTIC NEUROFIBROMATOSIS; NF2-Related Schwannomatosis; SCHWANNOMATOSIS, VESTIBULAR. Identifiers: Orphanet 637, MedGen C0027832, MONDO:0007039, OMIM 101000. Disease mechanism: loss of function.

Submission:

Labcorp Genetics (formerly Invitae), Labcorp
Classification: Pathogenic for Neurofibromatosis, type 2. Last evaluated: 2023-02-18. Review status: criteria provided, single submitter. Criteria: Invitae Variant Classification Sherloc (09022015). Collection method: clinical testing. Allele origin: germline.
Comment: This sequence change creates a premature translational stop signal (p.Leu505Argfs*10) in the NF2 gene. It is expected to result in an absent or disrupted protein product. Loss-of-function variants in NF2 are known to be pathogenic (PMID: 9643284, 16983642). This variant is not present in population databases (gnomAD no frequency). This variant has not been reported in the literature in individuals affected with NF2-related conditions. For these reasons, this variant has been classified as Pathogenic.

Literature cited by the submitters: PubMed 9643284; PubMed 16983642.

NM_000268.4(NF2):c.1514del (p.Leu505fs)

Gene: NF2 (NF2, moesin-ezrin-radixin like (MERLIN) tumor suppressor; plus strand). Cytogenetic location: 22q12.2.
Variant type: Deletion.
Coding change: c.1514del on transcript NM_000268.4 (MANE Select); coding-DNA position 1514, one base deleted (T; older notation c.1514delT).
Protein change: p.Leu505fs; shifts the reading frame from leucine 505.
Molecular consequence: frameshift variant. On other transcripts: non-coding transcript variant (1), intron variant (1).
Genome position (GRCh38, 1-based): chr22:29,678,263, T deleted. VCF-style (leftmost placement, unchanged base first): chr22-29678262-CT-C. GRCh37 (hg19) VCF-style: chr22-30074251-CT-C.
Other names: c.1400del, p.Leu467fs (NM_001407053.1, NM_001407056.1); c.1391del, p.Leu464fs (NM_001407054.1, NM_001407058.1, NM_181829.3); c.1388del, p.Leu463fs (NM_001407055.1, NM_181828.3); c.1379del, p.Leu460fs (NM_001407057.1, NM_001407059.1); c.1514del, p.Leu505fs (NM_001407060.1, NM_001407066.1, NM_016418.5 and 2 more transcripts); c.1256del, p.Leu419fs (NM_001407062.1); c.1265del, p.Leu422fs (NM_001407063.1, NM_001407064.1, NM_181830.3 and 1 more transcripts); c.980del, p.Leu327fs (NM_001407065.1); and 2 more; short protein forms L460fs, L467fs, L428fs, L463fs, L327fs, L419fs, L422fs, L464fs.
Identifiers: ClinVar variation 2838602 (VCV002838602.3), dbSNP rs2518712770, ClinGen allele CA2739267876.
Genomic context (GRCh38, chr22:29,678,262, plus strand): 5'-AACCCAATTCCAGCACCGTTGCCTCCTGACATACCAAGCTTCAACCTCATTGGTGACAGC[CT>C]GTCTTTCGACTTCAAAGATACTGACATGAAGCGGCTTTCCATGGAGATAGAGAAAGAAAA-3'